The following is an entry in ClinVar:

NM_003079.5(SMARCE1):c.871C>T (p.Gln291Ter)

Gene: SMARCE1 (SWI/SNF related BAF chromatin remodeling complex subunit E1; minus strand). Cytogenetic location: 17q21.2.
Variant type: single nucleotide variant.
Coding change: c.871C>T on transcript NM_003079.5 (MANE Select); coding-DNA position 871, C replaced by T.
Protein change: p.Gln291Ter; replaces glutamine 291 with a stop codon.
Molecular consequence: nonsense.
Genome position (GRCh38, 1-based): chr17:40,630,870, G>A on the plus strand (C>T on the coding strand, the complement: SMARCE1 is on the minus strand). VCF-style: chr17-40630870-G-A. GRCh37 (hg19) VCF-style: chr17-38787122-G-A.
Other names: short protein forms Q291*.
Identifiers: ClinVar variation 957528 (VCV000957528.7), dbSNP rs2037087179, ClinGen allele CA399363823.

ClinVar aggregate classification (germline): Pathogenic (1 of 4 stars; one submission).

Conditions:
Familial meningioma. Also called: Meningioma, familial, susceptibility to. Identifiers: Orphanet 263662, MedGen C3551915, MONDO:0011789, OMIM 607174.

Submission:

Labcorp Genetics (formerly Invitae), Labcorp
Classification: Pathogenic for Familial meningioma. Last evaluated: 2019-08-17. Review status: criteria provided, single submitter. Criteria: Invitae Variant Classification Sherloc (09022015). Collection method: clinical testing. Allele origin: germline.
Comment: This sequence change creates a premature translational stop signal (p.Gln291*) in the SMARCE1 gene. It is expected to result in an absent or disrupted protein product. This variant is not present in population databases (ExAC no frequency). This variant has not been reported in the literature in individuals with SMARCE1-related conditions. Loss-of-function variants in SMARCE1 are known to be pathogenic (PMID: 23377182). For these reasons, this variant has been classified as Pathogenic.

Literature cited by the submitters: PubMed 23377182.